The following is an entry in ClinVar:

NM_001351169.2(NT5C2):c.312_313del (p.Leu105fs)

Gene: NT5C2 (5'-nucleotidase, cytosolic II; minus strand). Cytogenetic location: 10q24.33.
Variant type: Microsatellite.
Coding change: c.312_313del on transcript NM_001351169.2 (MANE Select); coding-DNA positions 312 to 313, 2 bases deleted (AC; older notation c.312_313delAC).
Protein change: p.Leu105fs; shifts the reading frame from leucine 105.
Molecular consequence: frameshift variant. On other transcripts: 5 prime UTR variant (22).
Genome position (GRCh38, 1-based): chr10:103,105,782-103,105,783, GT deleted on the plus strand (AC on the coding strand, the reverse complement: NT5C2 is on the minus strand); deleting any 2 consecutive bases within chr10:103,105,782-103,105,787 gives the same sequence; the c. name uses the placement nearest the transcript's 3' end. VCF-style (leftmost placement, unchanged base first): chr10-103105781-AGT-A. GRCh37 (hg19) VCF-style: chr10-104865538-AGT-A.
Other names: c.312_313delAC (NM_012229.4); c.312_313del, p.Leu105fs (NM_001351170.2, NM_001351171.2, NM_001351172.2 and 3 more transcripts); c.225_226del, p.Leu76fs (NM_001351174.1); c.219_220del, p.Leu74fs (NM_001351175.2); c.-266AC[2] (NM_001351176.2, NM_001351177.2, NM_001351183.2 and 2 more transcripts); c.-290AC[2] (NM_001351178.2, NM_001351193.1); c.-458AC[2] (NM_001351179.2, NM_001351180.2, NM_001351182.2 and 3 more transcripts); c.-174AC[2] (NM_001351181.2, NM_001351191.1); and 6 more; short protein forms L74fs, L76fs, L105fs.
Identifiers: ClinVar variation 541762 (VCV000541762.12), dbSNP rs763305896, ClinGen allele CA5671135.

ClinVar aggregate classification (germline): Pathogenic/Likely pathogenic. Review status: criteria provided, multiple submitters, no conflicts (2 of 4 stars). 3 submissions from 3 submitters: Pathogenic (1); Likely pathogenic (2). Last evaluated 2024-10-22.

Conditions:
Hereditary spastic paraplegia 45. Also called: SPASTIC PARAPLEGIA 45; Spastic paraplegia 45, autosomal recessive. Identifiers: Orphanet 320396, MedGen C3888209, MONDO:0013165, OMIM 613162.

Submissions (3):

Labcorp Genetics (formerly Invitae), Labcorp
Classification: Pathogenic for Hereditary spastic paraplegia 45. Last evaluated: 2024-10-22. Review status: criteria provided, single submitter. Criteria: Invitae Variant Classification Sherloc (09022015). Collection method: clinical testing. Allele origin: germline.
Comment: This sequence change creates a premature translational stop signal (p.Leu105Valfs*21) in the NT5C2 gene. It is expected to result in an absent or disrupted protein product. Loss-of-function variants in NT5C2 are known to be pathogenic (PMID: 24482476). This variant is present in population databases (rs763305896, gnomAD 0.002%). This variant has not been reported in the literature in individuals affected with NT5C2-related conditions. ClinVar contains an entry for this variant (Variation ID: 541762). For these reasons, this variant has been classified as Pathogenic.

Women's Health and Genetics/Laboratory Corporation of America, LabCorp
Classification: Likely pathogenic for Hereditary spastic paraplegia 45. Last evaluated: 2022-05-13. Review status: criteria provided, single submitter. Criteria: LabCorp Variant Classification Summary - May 2015. Collection method: clinical testing. Allele origin: germline.
Comment: Variant summary: NT5C2 c.312_313delAC (p.Leu105ValfsX21) results in a premature termination codon, predicted to cause a truncation of the encoded protein or absence of the protein due to nonsense mediated decay, which are commonly known mechanisms for disease. Truncations downstream of this position have been reported in HGMD in association with Spastic paraplegia. The variant allele was found at a frequency of 8e-06 in 250936 control chromosomes. To our knowledge, no occurrence of c.312_313delAC in individuals affected with Hereditary Spastic Paraplegia 45 and no experimental evidence demonstrating its impact on protein function have been reported. Two clinical diagnostic laboratories have submitted clinical-significance assessments for this variant to ClinVar after 2014 without evidence for independent evaluation. All laboratories classified the variant as pathogenic/likely pathogenic. Based on the evidence outlined above, the variant was classified as likely pathogenic.

Greenwood Genetic Center Diagnostic Laboratories, Greenwood Genetic Center
Classification: Likely pathogenic for Hereditary spastic paraplegia 45. Last evaluated: 2022-02-16. Review status: criteria provided, single submitter. Criteria: ACMG Guidelines, 2015. Collection method: clinical testing. Allele origin: germline. Affected: yes.
Comment: PVS1, PM2

Literature cited by the submitters: PubMed 24482476 (cited by Labcorp Genetics (formerly Invitae), Labcorp).